The following is an entry in ClinVar:

NM_033400.3(ZFHX2):c.5650C>T (p.Arg1884Cys)

Genes: THTPA (thiamine triphosphatase; plus strand), ZFHX2 (zinc finger homeobox 2; minus strand). Cytogenetic location: 14q11.2.
Variant type: single nucleotide variant.
Coding change: c.5650C>T on transcript NM_033400.3 (MANE Select); coding-DNA position 5650, C replaced by T.
Protein change: p.Arg1884Cys; replaces arginine 1884 with cysteine.
Molecular consequence: missense variant.
Genome position (GRCh38, 1-based): chr14:23,524,292, G>A on the plus strand (C>T on the coding strand, the complement: ZFHX2 is on the minus strand). VCF-style: chr14-23524292-G-A. GRCh37 (hg19) VCF-style: chr14-23993501-G-A.
Other names: short protein forms R1884C.
Identifiers: ClinVar variation 3334354 (VCV003334354.14).
Genomic context (GRCh38, chr14:23,524,292, plus strand): 5'-AGACCTGTACCACTCGCTTTTTGAGCCCCACCTCCTCGGAGATGCAGTCGAGCATCTTGC[G>A]TGTTGGGTTGGAATCCTGCATGTACCAACGGTACAGGATCTCTAGCTGCTCAGGCAAGAT-3'
Protein context (NP_207646.2, residues 1874-1894): RWYMQDSNPT[Arg1884Cys]KMLDCISEEV

ClinVar aggregate classification (germline): Uncertain significance. Review status: criteria provided, multiple submitters, no conflicts (2 of 4 stars). 2 submissions from 2 submitters: Uncertain significance (2). Last evaluated 2025-02-01.

gnomAD v4.1: 5 of 1,536,354 alleles (0.00033%); highest among the groups gnomAD compares: South Asian, 0.0012%; no homozygotes.

Submissions (2):

CeGaT Center for Human Genetics Tuebingen
Classification: Uncertain significance. Last evaluated: 2025-02-01. Review status: criteria provided, single submitter. Criteria: CeGaT Center For Human Genetics Tuebingen Variant Classification Criteria Version 2. Collection method: clinical testing. Allele origin: germline. Affected: yes. Observed: 1 variant allele.
Comment: ZFHX2: PP3

Ambry Genetics
Classification: Uncertain significance. Last evaluated: 2024-03-20. Review status: criteria provided, single submitter. Criteria: Ambry Variant Classification Scheme 2023. Collection method: clinical testing. Allele origin: germline.